The following is an entry in ClinVar:

ClinVar aggregate classification (germline): Likely benign (1 of 4 stars; one submission).

Conditions:
Colorectal cancer, susceptibility to, 12 (CRCS12). Also called: COLORECTAL CANCER, SUSCEPTIBILITY TO, ON CHROMOSOME 12q24. Identifiers: Orphanet 220460, MedGen C3554460, MONDO:0014038, OMIM 615083.

Submission:

Myriad Genetics, Inc.
Classification: Likely benign for Colorectal cancer, susceptibility to, 12. Last evaluated: 2025-02-10. Review status: criteria provided, single submitter. Criteria: Myriad Autosomal Dominant, Autosomal Recessive and X-Linked Classification Criteria (2023). Collection method: clinical testing. Allele origin: unknown.
Comment: This variant is considered likely benign. This variant is intronic and is not expected to impact mRNA splicing.

NM_006231.4(POLE):c.1227-12T>C

Gene: POLE (DNA polymerase epsilon, catalytic subunit; minus strand). Cytogenetic location: 12q24.33.
Variant type: single nucleotide variant.
Coding change: c.1227-12T>C on transcript NM_006231.4 (MANE Select); 12 bases into the intron before coding-DNA position 1227, T replaced by C.
Molecular consequence: intron variant.
Genome position (GRCh38, 1-based): chr12:132,673,719, A>G on the plus strand (T>C on the coding strand, the complement: POLE is on the minus strand). VCF-style: chr12-132673719-A-G. GRCh37 (hg19) VCF-style: chr12-133250305-A-G.
Identifiers: ClinVar variation 3904136 (VCV003904136.1).